The following is an entry in ClinVar:

ClinVar aggregate classification (germline): Likely benign (1 of 4 stars; one submission).

gnomAD v4.1: 1 of 1,610,774 alleles (0.000062%); highest among the groups gnomAD compares: African/African-American, 0.0013%; no homozygotes.

Submission:

CeGaT Center for Human Genetics Tuebingen
Classification: Likely benign. Last evaluated: 2023-08-01. Review status: criteria provided, single submitter. Criteria: CeGaT Center For Human Genetics Tuebingen Variant Classification Criteria Version 2. Collection method: clinical testing. Allele origin: germline. Affected: yes. Observed: 1 variant allele.
Comment: NKX6-2: BP4, BP7

NM_177400.3(NKX6-2):c.657C>T (p.Asp219=)

Gene: NKX6-2 (NK6 homeobox 2; minus strand). Cytogenetic location: 10q26.3.
Variant type: single nucleotide variant.
Coding change: c.657C>T on transcript NM_177400.3 (MANE Select); coding-DNA position 657, C replaced by T.
Protein change: p.Asp219=; no amino-acid change (aspartic acid 219 retained).
Molecular consequence: synonymous variant.
Genome position (GRCh38, 1-based): chr10:132,785,093, G>A on the plus strand (C>T on the coding strand, the complement: NKX6-2 is on the minus strand). VCF-style: chr10-132785093-G-A. GRCh37 (hg19) VCF-style: chr10-134598597-G-A.
Identifiers: ClinVar variation 2578623 (VCV002578623.25), dbSNP rs142771323, ClinGen allele CA471962860.